The following is an entry in ClinVar:

ClinVar aggregate classification (germline): Uncertain significance. Review status: criteria provided, multiple submitters, no conflicts (2 of 4 stars). 2 submissions from 2 submitters: Uncertain significance (2). Last evaluated 2026-01-09.

Conditions:
Hereditary cancer-predisposing syndrome. Also called: Tumor predisposition; Neoplastic Syndromes, Hereditary; Hereditary Cancer Syndrome; Hereditary neoplastic syndrome. Identifiers: Orphanet 140162, MedGen C0027672, MeSH D009386, MONDO:0015356.

Submissions (2):

Ambry Genetics
Classification: Uncertain significance for Hereditary cancer-predisposing syndrome. Last evaluated: 2026-01-09. Review status: criteria provided, single submitter. Criteria: Ambry Variant Classification Scheme 2023. Collection method: clinical testing. Allele origin: germline.
Comment: The c.1474-3C>G intronic variant results from a C to G substitution 3 nucleotides upstream from coding exon 15 in the POLE gene. This nucleotide position is not well conserved in available vertebrate species. In silico splice site analysis predicts that this alteration will weaken the native splice acceptor site. Based on the available evidence, the clinical significance of this variant remains unclear.

Labcorp Genetics (formerly Invitae), Labcorp
Classification: Uncertain significance. Last evaluated: 2024-06-28. Review status: criteria provided, single submitter. Criteria: Invitae Variant Classification Sherloc (09022015). Collection method: clinical testing. Allele origin: germline.
Comment: This sequence change falls in intron 14 of the POLE gene. It does not directly change the encoded amino acid sequence of the POLE protein. It affects a nucleotide within the consensus splice site. This variant is not present in population databases (gnomAD no frequency). This variant has not been reported in the literature in individuals affected with POLE-related conditions. ClinVar contains an entry for this variant (Variation ID: 819301). Variants that disrupt the consensus splice site are a relatively common cause of aberrant splicing (PMID: 17576681, 9536098). Algorithms developed to predict the effect of sequence changes on RNA splicing suggest that this variant may disrupt the consensus splice site. In summary, the available evidence is currently insufficient to determine the role of this variant in disease. Therefore, it has been classified as a Variant of Uncertain Significance.

Literature cited by the submitters: PubMed 17576681 (cited by Labcorp Genetics (formerly Invitae), Labcorp); PubMed 9536098 (cited by Labcorp Genetics (formerly Invitae), Labcorp).

NM_006231.4(POLE):c.1474-3C>G

Gene: POLE (DNA polymerase epsilon, catalytic subunit; minus strand). Cytogenetic location: 12q24.33.
Variant type: single nucleotide variant.
Coding change: c.1474-3C>G on transcript NM_006231.4 (MANE Select); 3 bases into the intron before coding-DNA position 1474, C replaced by G.
Molecular consequence: intron variant.
Genome position (GRCh38, 1-based): chr12:132,672,842, G>C on the plus strand (C>G on the coding strand, the complement: POLE is on the minus strand). VCF-style: chr12-132672842-G-C. GRCh37 (hg19) VCF-style: chr12-133249428-G-C.
Identifiers: ClinVar variation 819301 (VCV000819301.7), dbSNP rs1593071467, ClinGen allele CA915946755.